The following is an entry in ClinVar:

NM_001372.4(DNAH9):c.9752A>G (p.Asn3251Ser)

Gene: DNAH9 (dynein axonemal heavy chain 9; plus strand). Cytogenetic location: 17p12.
Variant type: single nucleotide variant.
Coding change: c.9752A>G on transcript NM_001372.4 (MANE Select); coding-DNA position 9752, A replaced by G.
Protein change: p.Asn3251Ser; replaces asparagine 3251 with serine.
Molecular consequence: missense variant.
Genome position (GRCh38, 1-based): chr17:11,854,247, A>G. VCF-style: chr17-11854247-A-G. GRCh37 (hg19) VCF-style: chr17-11757564-A-G.
Other names: short protein forms N3251S.
Identifiers: ClinVar variation 1921892 (VCV001921892.5), dbSNP rs769037909, ClinGen allele CA8397300.

ClinVar aggregate classification (germline): Uncertain significance (1 of 4 stars; one submission).

Allele frequency attached by ClinVar (database versions not stated): ExAC 0.00003; gnomAD 0.00003; TOPMed 0.00003; gnomAD exomes 0.00004.
gnomAD v4.1: 54 of 1,614,054 alleles (0.0033%); highest among the groups gnomAD compares: Non-Finnish European, 0.0045%; no homozygotes.

Submission:

Labcorp Genetics (formerly Invitae), Labcorp
Classification: Uncertain significance. Last evaluated: 2024-10-22. Review status: criteria provided, single submitter. Criteria: Invitae Variant Classification Sherloc (09022015). Collection method: clinical testing. Allele origin: germline.
Comment: This sequence change replaces asparagine, which is neutral and polar, with serine, which is neutral and polar, at codon 3251 of the DNAH9 protein (p.Asn3251Ser). This variant is present in population databases (rs769037909, gnomAD 0.007%). This variant has not been reported in the literature in individuals affected with DNAH9-related conditions. ClinVar contains an entry for this variant (Variation ID: 1921892). Invitae Evidence Modeling of protein sequence and biophysical properties (such as structural, functional, and spatial information, amino acid conservation, physicochemical variation, residue mobility, and thermodynamic stability) indicates that this missense variant is expected to disrupt DNAH9 protein function with a positive predictive value of 80%. In summary, the available evidence is currently insufficient to determine the role of this variant in disease. Therefore, it has been classified as a Variant of Uncertain Significance.